The following is an entry in ClinVar:

NM_138295.5(PKD1L1):c.2881G>A (p.Gly961Ser)

Gene: PKD1L1 (polycystin 1 like 1, transient receptor potential channel interacting; minus strand). Cytogenetic location: 7p12.3.
Variant type: single nucleotide variant.
Coding change: c.2881G>A on transcript NM_138295.5 (MANE Select); coding-DNA position 2881, G replaced by A.
Protein change: p.Gly961Ser; replaces glycine 961 with serine.
Molecular consequence: missense variant.
Genome position (GRCh38, 1-based): chr7:47,886,010, C>T on the plus strand (G>A on the coding strand, the complement: PKD1L1 is on the minus strand). VCF-style: chr7-47886010-C-T. GRCh37 (hg19) VCF-style: chr7-47925608-C-T.
Other names: short protein forms G961S.
Identifiers: ClinVar variation 4799906 (VCV004799906.1).

ClinVar aggregate classification (germline): Uncertain significance (1 of 4 stars; one submission).

gnomAD v4.1: 125 of 1,614,018 alleles (0.0077%); highest among the groups gnomAD compares: African/African-American, 0.096%; 1 homozygote.

Submission:

Labcorp Genetics (formerly Invitae), Labcorp
Classification: Uncertain significance. Last evaluated: 2026-01-20. Review status: criteria provided, single submitter. Criteria: Invitae Variant Classification Sherloc (09022015). Collection method: clinical testing. Allele origin: germline.
Comment: This sequence change replaces glycine, which is neutral and non-polar, with serine, which is neutral and polar, at codon 961 of the PKD1L1 protein (p.Gly961Ser). This variant is present in population databases (rs148064707, gnomAD 0.1%). This variant has not been reported in the literature in individuals affected with PKD1L1-related conditions. Invitae Evidence Modeling of protein sequence and biophysical properties (such as structural, functional, and spatial information, amino acid conservation, physicochemical variation, residue mobility, and thermodynamic stability) indicates that this missense variant is not expected to disrupt PKD1L1 protein function with a negative predictive value of 80%. In summary, the available evidence is currently insufficient to determine the role of this variant in disease. Therefore, it has been classified as a Variant of Uncertain Significance.